The following is an entry in ClinVar:

NC_000003.12:g.169765043G>T

Genes: TERC (telomerase RNA component; minus strand), LOC110806306 (telomerase RNA component (TERC) promoter; plus strand). Cytogenetic location: 3q26.2.
Variant type: single nucleotide variant.
Genome position: GRCh38 VCF-style: chr3-169765043-G-T. GRCh37 (hg19) VCF-style: chr3-169482831-G-T.
Identifiers: ClinVar variation 1897164 (VCV001897164.5), dbSNP rs751824499, ClinGen allele CA436716036.

ClinVar aggregate classification (germline): Uncertain significance (1 of 4 stars; one submission).

Conditions:
Dyskeratosis congenita, autosomal dominant 1 (DKCA1). Also called: Dyskeratosis congenita Scoggins type. Identifiers: Orphanet 1775, MedGen C4551974, MONDO:0007485, OMIM 127550. Inheritance: Variable.

gnomAD v4.1: 1 of 764,876 alleles (0.00013%); highest among the groups gnomAD compares: East Asian, 0.0024%; no homozygotes.

Submission:

Labcorp Genetics (formerly Invitae), Labcorp
Classification: Uncertain significance for Dyskeratosis congenita, autosomal dominant 1. Last evaluated: 2022-09-10. Review status: criteria provided, single submitter. Criteria: Invitae Variant Classification Sherloc (09022015). Collection method: clinical testing. Allele origin: germline.
Comment: In summary, the available evidence is currently insufficient to determine the role of this variant in disease. Therefore, it has been classified as a Variant of Uncertain Significance. This variant is located at the 5’ end of the TERC RNA component (PMID: 15082312, 21844345). The functional significance of this region is not well understood. This variant has not been reported in the literature in individuals affected with TERC-related conditions. This variant is not present in population databases (gnomAD no frequency). This variant occurs in the TERC gene, which encodes an RNA molecule that does not result in a protein product.

Literature cited by the submitters: PubMed 15082312; PubMed 21844345.